The following is an entry in ClinVar:

ClinVar aggregate classification (germline): Uncertain significance (1 of 4 stars; one submission).

Conditions:
BMP7-related disorder. Also called: BMP7-related condition.

Allele frequency attached by ClinVar (database versions not stated): TOPMed below 0.00001; gnomAD 0.00001; gnomAD exomes 0.00001.

Submission:

PreventionGenetics, part of Exact Sciences
Classification: Uncertain significance for BMP7-related condition. Last evaluated: 2023-02-16. Review status: criteria provided, single submitter. Criteria: ACMG Guidelines, 2015. Collection method: clinical testing. Allele origin: germline.
Comment: The BMP7 c.1243G>A variant is predicted to result in the amino acid substitution p.Val415Ile. To our knowledge, this variant has not been reported in the literature. This variant is reported in 0.0016% of alleles in individuals of European (Non-Finnish) descent in gnomAD. At this time, the clinical significance of this variant is uncertain due to the absence of conclusive functional and genetic evidence.

NM_001719.3(BMP7):c.1243G>A (p.Val415Ile)

Gene: BMP7 (bone morphogenetic protein 7; minus strand). Cytogenetic location: 20q13.31.
Variant type: single nucleotide variant.
Coding change: c.1243G>A on transcript NM_001719.3 (MANE Select); coding-DNA position 1243, G replaced by A.
Protein change: p.Val415Ile; replaces valine 415 with isoleucine.
Molecular consequence: missense variant.
Genome position (GRCh38, 1-based): chr20:57,171,012, C>T on the plus strand (G>A on the coding strand, the complement: BMP7 is on the minus strand). VCF-style: chr20-57171012-C-T. GRCh37 (hg19) VCF-style: chr20-55746068-C-T.
Other names: short protein forms V415I.
Identifiers: ClinVar variation 2628678 (VCV002628678.1), dbSNP rs1463340387, ClinGen allele CA409701409.